The following is an entry in ClinVar:

ClinVar aggregate classification (germline): Pathogenic (1 of 4 stars; one submission).

Submission:

Labcorp Genetics (formerly Invitae), Labcorp
Classification: Pathogenic. Last evaluated: 2024-02-23. Review status: criteria provided, single submitter. Criteria: Invitae Variant Classification Sherloc (09022015). Collection method: clinical testing. Allele origin: germline.
Comment: This sequence change creates a premature translational stop signal (p.Val281Profs*64) in the MCM3AP gene. It is expected to result in an absent or disrupted protein product. Loss-of-function variants in MCM3AP are known to be pathogenic (PMID: 28633435). This variant is not present in population databases (gnomAD no frequency). This variant has not been reported in the literature in individuals affected with MCM3AP-related conditions. For these reasons, this variant has been classified as Pathogenic.

Literature cited by the submitters: PubMed 28633435.

NM_003906.5(MCM3AP):c.841_857del (p.Val281fs)

Gene: MCM3AP (minichromosome maintenance complex component 3 associated protein; minus strand). Cytogenetic location: 21q22.3.
Variant type: Deletion.
Coding change: c.841_857del on transcript NM_003906.5 (MANE Select); coding-DNA positions 841 to 857, 17 bases deleted (GTGGAACCACTTCCCAG).
Protein change: p.Val281fs; shifts the reading frame from valine 281.
Molecular consequence: frameshift variant.
Genome position (GRCh38, 1-based): chr21:46,284,430-46,284,446, CTGGGAAGTGGTTCCAC deleted on the plus strand (GTGGAACCACTTCCCAG on the coding strand, the reverse complement: MCM3AP is on the minus strand); deleting any 17 consecutive bases within chr21:46,284,430-46,284,453 gives the same sequence; the c. name uses the placement nearest the transcript's 3' end. VCF-style (leftmost placement, unchanged base first): chr21-46284429-GCTGGGAAGTGGTTCCAC-G. GRCh37 (hg19) VCF-style: chr21-47704343-GCTGGGAAGTGGTTCCAC-G.
Other names: short protein forms V281fs.
Identifiers: ClinVar variation 3642735 (VCV003642735.2).
Genomic context (GRCh38, chr21:46,284,429, plus strand): 5'-GTGGCCATGTCTCCTTGGGGAGCGATCCTGGTCCTCCTTCCTTTTCAGTCCTTTCATTAG[GCTGGGAAGTGGTTCCAC>G]CTGGGAAACAGCTTCTTCACACCCCTGCCTGACACCTGCTTTGCTAGCCTGGAAAGGTTC-3'